The following is an entry in ClinVar:

NM_000554.6(CRX):c.*1346G>A

Gene: CRX (cone-rod homeobox; plus strand). Cytogenetic location: 19q13.33.
Variant type: single nucleotide variant.
Coding change: c.*1346G>A on transcript NM_000554.6 (MANE Select); 1346 bases downstream of the stop codon, G replaced by A.
Molecular consequence: 3 prime UTR variant.
Genome position (GRCh38, 1-based): chr19:47,841,313, G>A. VCF-style: chr19-47841313-G-A. GRCh37 (hg19) VCF-style: chr19-48344570-G-A.
Identifiers: ClinVar variation 329741 (VCV000329741.6), dbSNP rs12462534, ClinGen allele CA10648912.

ClinVar aggregate classification (germline): Benign. Review status: criteria provided, multiple submitters, no conflicts (2 of 4 stars). 4 submissions from 2 submitters: Benign (4). Last evaluated 2018-01-12.

Conditions:
Retinitis pigmentosa (RP). Identifiers: Orphanet 791, MedGen C0035334, MeSH D012174, MONDO:0019200, OMIM 268000. Inheritance: Autosomal dominant, autosomal recessive and X linked inheritance.
Leber congenital amaurosis 7 (LCA7). Identifiers: Orphanet 65, MedGen C3151192, MONDO:0013449, OMIM 613829.
Cone-rod dystrophy 2 (CORD2). Also called: CONE-ROD RETINAL DYSTROPHY; Cone-rod retinal dystrophy 2. Identifiers: Orphanet 1872, MedGen C3489532, MONDO:0007362, OMIM 120970.

Allele frequency attached by ClinVar (database versions not stated): 1000 Genomes Project 0.24321; 1000 Genomes Project 30x 0.24641; TOPMed 0.31589; gnomAD 0.32039 and 0.32243.

Submissions (4):

Illumina Laboratory Services, Illumina
Classification: Benign for Cone-rod dystrophy 2. Last evaluated: 2018-01-12. Review status: criteria provided, single submitter. Criteria: ICSL Variant Classification Criteria 13 December 2019. Collection method: clinical testing. Allele origin: germline.
Comment: This variant was observed in the ICSL laboratory as part of a predisposition screen in an ostensibly healthy population. It had not been previously curated by ICSL or reported in the Human Gene Mutation Database (HGMD: prior to June 1st, 2018), and was therefore a candidate for classification through an automated scoring system. Utilizing variant allele frequency, disease prevalence and penetrance estimates, and inheritance mode, an automated score was calculated to assess if this variant is too frequent to cause the disease. Based on the score and internal cut-off values, a variant classified as benign is not then subjected to further curation. The score for this variant resulted in a classification of benign for this disease.

Illumina Laboratory Services, Illumina
Classification: Benign for Retinitis pigmentosa. Last evaluated: 2018-01-12. Review status: criteria provided, single submitter. Criteria: ICSL Variant Classification Criteria 13 December 2019. Collection method: clinical testing. Allele origin: germline.
Comment: the same text as in the submission from Illumina Laboratory Services, Illumina above.

Illumina Laboratory Services, Illumina
Classification: Benign for Leber congenital amaurosis 7. Last evaluated: 2018-01-12. Review status: criteria provided, single submitter. Criteria: ICSL Variant Classification Criteria 13 December 2019. Collection method: clinical testing. Allele origin: germline.
Comment: the same text as in the submission from Illumina Laboratory Services, Illumina above.

Breakthrough Genomics
Classification: Benign. Review status: criteria provided, single submitter. Criteria: ACMG Guidelines, 2015. Collection method: not provided. Allele origin: germline. Inheritance: Autosomal dominant inheritance. Affected: yes.